The following is an entry in ClinVar:

NM_015272.5(RPGRIP1L):c.2018T>A (p.Ile673Asn)

Gene: RPGRIP1L (RPGRIP1 like; minus strand). Cytogenetic location: 16q12.2.
Variant type: single nucleotide variant.
Coding change: c.2018T>A on transcript NM_015272.5 (MANE Select); coding-DNA position 2018, T replaced by A.
Protein change: p.Ile673Asn; replaces isoleucine 673 with asparagine.
Molecular consequence: missense variant.
Genome position (GRCh38, 1-based): chr16:53,652,669, A>T on the plus strand (T>A on the coding strand, the complement: RPGRIP1L is on the minus strand). VCF-style: chr16-53652669-A-T. GRCh37 (hg19) VCF-style: chr16-53686581-A-T.
Other names: c.2018T>A, p.Ile673Asn (NM_001127897.4, NM_001308334.3, NM_001330538.2); short protein forms I673N.
Identifiers: ClinVar variation 2004530 (VCV002004530.4), dbSNP rs150151416, ClinGen allele CA281343973.

ClinVar aggregate classification (germline): Uncertain significance (1 of 4 stars; one submission).

Conditions:
Joubert syndrome. Also called: CEREBELLOPARENCHYMAL DISORDER IV; JOUBERT-BOLTSHAUSER SYNDROME; Familial aplasia of the vermis. Identifiers: Orphanet 475, MedGen C5979921, MONDO:0018772.
Meckel-Gruber syndrome. Also called: DYSENCEPHALIA SPLANCHNOCYSTICA; GRUBER SYNDROME; Dysencephalia splachnocystica. Identifiers: Orphanet 564, MedGen C0265215, MONDO:0018921.

Allele frequency attached by ClinVar (database versions not stated): ESP Exome Variant Server 0.00008.

Submission:

Labcorp Genetics (formerly Invitae), Labcorp
Classification: Uncertain significance for Joubert syndrome; Meckel-Gruber syndrome. Last evaluated: 2025-06-12. Review status: criteria provided, single submitter. Criteria: Invitae Variant Classification Sherloc (09022015). Collection method: clinical testing. Allele origin: germline.
Comment: This sequence change replaces isoleucine, which is neutral and non-polar, with asparagine, which is neutral and polar, at codon 673 of the RPGRIP1L protein (p.Ile673Asn). This variant is not present in population databases (gnomAD no frequency). This variant has not been reported in the literature in individuals affected with RPGRIP1L-related conditions. ClinVar contains an entry for this variant (Variation ID: 2004530). Invitae Evidence Modeling of protein sequence and biophysical properties (such as structural, functional, and spatial information, amino acid conservation, physicochemical variation, residue mobility, and thermodynamic stability) indicates that this missense variant is expected to disrupt RPGRIP1L protein function with a positive predictive value of 80%. In summary, the available evidence is currently insufficient to determine the role of this variant in disease. Therefore, it has been classified as a Variant of Uncertain Significance.